The following is an entry in ClinVar:

ClinVar aggregate classification (germline): Pathogenic/Likely pathogenic. Review status: criteria provided, multiple submitters, no conflicts (2 of 4 stars). 3 submissions from 3 submitters: Pathogenic (1); Likely pathogenic (2). Last evaluated 2025-12-12.

Conditions:
Autosomal recessive nonsyndromic hearing loss 12. Also called: DEAFNESS, AUTOSOMAL RECESSIVE 12. Identifiers: Orphanet 90636, MedGen C1832394, MONDO:0011067, OMIM 601386.
Usher syndrome. Also called: Usher's syndrome; Usher Syndromes. Identifiers: Orphanet 886, MedGen CN469326, MeSH D052245, MONDO:0019501. Disease mechanism: loss of function.
Usher syndrome type 1 (USH1). Also called: RETINITIS PIGMENTOSA AND CONGENITAL DEAFNESS. Identifiers: Orphanet 231169, Orphanet 886, MedGen C1568247, MONDO:0010168, OMIM 276900.

Allele frequency attached by ClinVar (database versions not stated): gnomAD exomes below 0.00001 and 0.00001; TOPMed below 0.00001; gnomAD 0.00001.
gnomAD v4.1: 6 of 1,613,970 alleles (0.00037%); highest among the groups gnomAD compares: East Asian, 0.0089%; no homozygotes.

Submissions (3):

Natera, Inc.
Classification: Likely pathogenic for Usher syndrome type 1. Last evaluated: 2025-12-12. Review status: criteria provided, single submitter. Criteria: Natera Variant Classification Schema (03/2026). Collection method: clinical testing. Allele origin: germline.
Comment: The c.7312G>A variant in CDH23 is a missense variant predicted to cause substitution of glutamic acid to lysine at amino acid 2438. This variant is rare in the general population with a frequency below the threshold expected for the associated phenotype(s). This variant has been observed in one or more individuals affected with the associated recessive disease, as either homozygous or compound heterozygous with a second variant (PMID: 38720048, 35020051, 25963016). Computational prediction algorithms indicate this variant is likely to affect gene or protein function. Given the available evidence, this variant is classified as Likely Pathogenic.

Women's Health and Genetics/Laboratory Corporation of America, LabCorp
Classification: Likely pathogenic for Usher syndrome. Last evaluated: 2024-09-06. Review status: criteria provided, single submitter. Criteria: LabCorp Variant Classification Summary - May 2015. Collection method: clinical testing. Allele origin: germline.
Comment: Variant summary: CDH23 c.7312G>A (p.Glu2438Lys) results in a conservative amino acid change in the encoded protein sequence. Three of four in-silico tools predict a benign effect of the variant on protein function. The variant allele was found at a frequency of 4.1e-05 in 369714 control chromosomes. This frequency is not significantly higher than estimated for a pathogenic variant in CDH23 causing Usher Syndrome (4.1e-05 vs 0.0032), allowing no conclusion about variant significance. c.7312G>A has been reported in the literature in compound heterozygous individuals affected with hearing loss (Usami_2022, Miyagawa_2012, Mizutari_2015). These data indicate that the variant is likely to be associated with disease. To our knowledge, no experimental evidence demonstrating an impact on protein function has been reported. The following publications have been ascertained in the context of this evaluation (PMID: 35020051, 25963016, 22899989). ClinVar contains an entry for this variant (Variation ID: 446449). Based on the evidence outlined above, the variant was classified as likely pathogenic.

Division of Hearing and Balance Research, National Hospital Organization Tokyo Medical Center
Classification: Pathogenic for Autosomal recessive nonsyndromic hearing loss 12. Last evaluated: 2017-07-01. Review status: criteria provided, single submitter. Criteria: Submitter's publication. Collection method: clinical testing. Allele origin: germline. Affected: yes. Observed: 3 variant alleles. Clinical features observed: Hearing impairment (HP:0000365).

Literature cited by the submitters: PubMed 38720048 (cited by Natera, Inc.); PubMed 35020051 (cited by Natera, Inc. and Women's Health and Genetics/Laboratory Corporation of America, LabCorp); PubMed 25963016 (cited by Natera, Inc. and Women's Health and Genetics/Laboratory Corporation of America, LabCorp); PubMed 22899989 (cited by Women's Health and Genetics/Laboratory Corporation of America, LabCorp).

NM_022124.6(CDH23):c.7312G>A (p.Glu2438Lys)

Gene: CDH23 (cadherin related 23; plus strand). Cytogenetic location: 10q22.1.
Variant type: single nucleotide variant.
Coding change: c.7312G>A on transcript NM_022124.6 (MANE Select); coding-DNA position 7312, G replaced by A.
Protein change: p.Glu2438Lys; replaces glutamic acid 2438 with lysine.
Molecular consequence: missense variant.
Genome position (GRCh38, 1-based): chr10:71,799,579, G>A. VCF-style: chr10-71799579-G-A. GRCh37 (hg19) VCF-style: chr10-73559336-G-A.
Other names: c.592G>A, p.Glu198Lys (NM_001171933.1, NM_001171934.1); short protein forms E2438K, E198K.
Identifiers: ClinVar variation 446449 (VCV000446449.3), dbSNP rs1264310782, ClinGen allele CA377159510.